The following is an entry in ClinVar:

NM_152296.5(ATP1A3):c.2425G>C (p.Ala809Pro)

Gene: ATP1A3 (ATPase Na+/K+ transporting subunit alpha 3; minus strand). Cytogenetic location: 19q13.2.
Variant type: single nucleotide variant.
Coding change: c.2425G>C on transcript NM_152296.5 (MANE Select); coding-DNA position 2425, G replaced by C.
Protein change: p.Ala809Pro; replaces alanine 809 with proline.
Molecular consequence: missense variant.
Genome position (GRCh38, 1-based): chr19:41,970,302, C>G on the plus strand (G>C on the coding strand, the complement: ATP1A3 is on the minus strand). VCF-style: chr19-41970302-C-G. GRCh37 (hg19) VCF-style: chr19-42474454-C-G.
Other names: c.2458G>C, p.Ala820Pro (NM_001256213.2); c.2464G>C, p.Ala822Pro (NM_001256214.2); short protein forms A809P, A822P, A820P.
Identifiers: ClinVar variation 2603750 (VCV002603750.2), dbSNP rs2514032567, ClinGen allele CA406039045.

ClinVar aggregate classification (germline): Pathogenic (1 of 4 stars; one submission).

Conditions:
Inborn genetic diseases. Identifiers: MedGen C0950123, MeSH D030342.

Submission:

Ambry Genetics
Classification: Pathogenic for Inborn genetic diseases. Last evaluated: 2023-06-28. Review status: criteria provided, single submitter. Criteria: Ambry Variant Classification Scheme 2023. Collection method: clinical testing. Allele origin: germline.
Comment: The c.2425G>C (p.A809P) alteration is located in exon 18 (coding exon 18) of the ATP1A3 gene. This alteration results from a G to C substitution at nucleotide position 2425, causing the alanine (A) at amino acid position 809 to be replaced by a proline (P). This variant was not reported in population-based cohorts in the Genome Aggregation Database (gnomAD). This variant was reported de novo in multiple individuals with features consistent with ATP1A3-related neurologic disorders (Zech, 2020; Boonsimma, 2020; Dzinovic, 2022). Another alteration at the same codon, c.2426C>A (p.A809D), has been reported de novo in an individual with childhood epilepsy (Yao, 2021). This amino acid position is highly conserved in available vertebrate species. This missense alteration is located in a region that has a low rate of benign missense variation (Lek, 2016; Firth, 2009). This alteration is predicted to be deleterious by in silico analysis. Based on the available evidence, this alteration is classified as pathogenic.

Literature cited by the submitters: PubMed 32339621; PubMed 33098801; PubMed 34992632; PubMed 35872528.